The following is an entry in ClinVar:

ClinVar aggregate classification (germline): Pathogenic (1 of 4 stars; one submission).

Conditions:
Glycogen storage disease type III (GSD3). Also called: Cori disease; FORBES DISEASE. Identifiers: Orphanet 366, MedGen C0017922, MONDO:0009291, OMIM 232400.

Submission:

Labcorp Genetics (formerly Invitae), Labcorp
Classification: Pathogenic for Glycogen storage disease type III. Last evaluated: 2025-09-08. Review status: criteria provided, single submitter. Criteria: Invitae Variant Classification Sherloc (09022015). Collection method: clinical testing. Allele origin: germline.
Comment: This sequence change creates a premature translational stop signal (p.Gly798Alafs*3) in the AGL gene. It is expected to result in an absent or disrupted protein product. Loss-of-function variants in AGL are known to be pathogenic (PMID: 19299494). This variant is not present in population databases (gnomAD no frequency). This premature translational stop signal has been observed in individual(s) with glycogen storage disease type III (PMID: 32222031). ClinVar contains an entry for this variant (Variation ID: 1943910). For these reasons, this variant has been classified as Pathogenic.

Literature cited by the submitters: PubMed 19299494; PubMed 32222031.

NM_000642.3(AGL):c.2362_2392dup (p.Gly798delinsAlaLeuTer)

Gene: AGL (amylo-alpha-1,6-glucosidase and 4-alpha-glucanotransferase; plus strand). Cytogenetic location: 1p21.2.
Variant type: Duplication.
Coding change: c.2362_2392dup on transcript NM_000642.3 (MANE Select); coding-DNA positions 2362 to 2392, 31 bases duplicated.
Protein change: p.Gly798delinsAlaLeuTer.
Molecular consequence: nonsense. On other transcripts: frameshift variant (10).
Genome position (GRCh38, 1-based): chr1:99,884,173-99,884,203, 31 bases duplicated. GRCh37 (hg19): chr1:100,349,729-100,349,759.
Other names: c.2362_2392dup, p.Gly798Alafs (NM_000028.3, NM_000643.3, NM_000644.3 and 2 more transcripts); c.2314_2344dup, p.Gly782Alafs (NM_000646.3); c.2161_2191dup, p.Gly731Alafs (NM_001425327.1); c.2158_2188dup, p.Gly730Alafs (NM_001425328.1, NM_001425329.1); c.1984_2014dup, p.Gly672Alafs (NM_001425332.1).
Identifiers: ClinVar variation 1943910 (VCV001943910.5), dbSNP rs2524672313, ClinGen allele CA2580063420.
Genomic context (GRCh38, chr1:99,884,172, plus strand): 5'-ATTCCTAGGCAAAATTGAAGAAGTAGTTCTTGAAGCTAGAACTATTGAGAGAAACACGAA[A>ACCTTATAGGAAGGATGAGAATTCAATCAATG]CCTTATAGGAAGGATGAGAATTCAATCAATGGAACACCAGATATCACAGTAGAAATTAGA-3'